The following is an entry in ClinVar:

NM_001162501.2(TNRC6B):c.2044G>A (p.Glu682Lys)

Gene: TNRC6B (trinucleotide repeat containing adaptor 6B; plus strand). Cytogenetic location: 22q13.1.
Variant type: single nucleotide variant.
Coding change: c.2044G>A on transcript NM_001162501.2 (MANE Select); coding-DNA position 2044, G replaced by A.
Protein change: p.Glu682Lys; replaces glutamic acid 682 with lysine.
Molecular consequence: missense variant. On other transcripts: intron variant (1).
Genome position (GRCh38, 1-based): chr22:40,266,274, G>A. VCF-style: chr22-40266274-G-A. GRCh37 (hg19) VCF-style: chr22-40662278-G-A.
Other names: c.2044G>A, p.Glu682Lys (NM_015088.3); c.566-3848G>A (NM_001024843.2); short protein forms E682K.
Identifiers: ClinVar variation 2298679 (VCV002298679.2), dbSNP rs868351801, ClinGen allele CA324419266.

ClinVar aggregate classification (germline): Uncertain significance (1 of 4 stars; one submission).

Conditions:
Inborn genetic diseases. Identifiers: MedGen C0950123, MeSH D030342.

gnomAD v4.1: 5 of 1,592,210 alleles (0.00031%); highest among the groups gnomAD compares: Middle Eastern, 0.05%; no homozygotes.

Submission:

Ambry Genetics
Classification: Uncertain significance for Inborn genetic diseases. Last evaluated: 2022-07-28. Review status: criteria provided, single submitter. Criteria: Ambry Variant Classification Scheme 2023. Collection method: clinical testing. Allele origin: germline.
Comment: The c.2044G>A (p.E682K) alteration is located in exon 5 (coding exon 5) of the TNRC6B gene. This alteration results from a G to A substitution at nucleotide position 2044, causing the glutamic acid (E) at amino acid position 682 to be replaced by a lysine (K). This variant was flagged as a low confidence call in gnomAD. This amino acid position is not well conserved in available vertebrate species. This alteration is predicted to be tolerated by in silico analysis. Based on insufficient or conflicting evidence, the clinical significance of this alteration remains unclear.